The following is an entry in ClinVar:

NM_000548.5(TSC2):c.3247C>G (p.Leu1083Val)

Gene: TSC2 (TSC complex subunit 2; plus strand). Cytogenetic location: 16p13.3.
Variant type: single nucleotide variant.
Coding change: c.3247C>G on transcript NM_000548.5 (MANE Select); coding-DNA position 3247, C replaced by G.
Protein change: p.Leu1083Val; replaces leucine 1083 with valine.
Molecular consequence: missense variant. On other transcripts: non-coding transcript variant (5).
Genome position (GRCh38, 1-based): chr16:2,079,391, C>G. VCF-style: chr16-2079391-C-G. GRCh37 (hg19) VCF-style: chr16-2129392-C-G.
Other names: c.3118C>G, p.Leu1040Val (NM_001370405.1, NM_001363528.2, NM_021055.3); c.3244C>G, p.Leu1082Val (NM_001406663.1, NM_001406664.1); c.3115C>G, p.Leu1039Val (NM_001406665.1, NM_001077183.3, NM_001370404.1); c.3208C>G, p.Leu1070Val (NM_001406667.1); c.3205C>G, p.Leu1069Val (NM_001406668.1); c.3136C>G, p.Leu1046Val (NM_001406670.1); c.3106C>G, p.Leu1036Val (NM_001406671.1); c.3103C>G, p.Leu1035Val (NM_001406673.1); and 18 more; short protein forms L1002V, L1003V, L1020V, L1033V, L1034V, L1035V, L1036V, L1039V.
Identifiers: ClinVar variation 4866132 (VCV004866132.1).

ClinVar aggregate classification (germline): Uncertain significance (1 of 4 stars; one submission).

Conditions:
Hereditary cancer-predisposing syndrome. Also called: Neoplastic Syndromes, Hereditary; Tumor predisposition; Hereditary Cancer Syndrome; Hereditary neoplastic syndrome. Identifiers: Orphanet 140162, MedGen C0027672, MeSH D009386, MONDO:0015356.

gnomAD v4.1: 1 of 1,612,758 alleles (0.000062%); highest among the groups gnomAD compares: Non-Finnish European, 0.000085%; no homozygotes.

Submission:

Ambry Genetics
Classification: Uncertain significance for Hereditary cancer-predisposing syndrome. Last evaluated: 2026-06-01. Review status: criteria provided, single submitter. Criteria: Ambry Variant Classification Scheme 2023. Collection method: clinical testing. Allele origin: germline.
Comment: The p.L1083V variant (also known as c.3247C>G), located in coding exon 27 of the TSC2 gene, results from a C to G substitution at nucleotide position 3247. The leucine at codon 1083 is replaced by valine, an amino acid with highly similar properties. This amino acid position is conserved. In addition, the in silico prediction for this alteration is inconclusive. Based on the available evidence, the clinical significance of this variant remains unclear.